The following is an entry in ClinVar:

NM_000018.4(ACADVL):c.563G>A (p.Gly188Asp)

Gene: ACADVL (acyl-CoA dehydrogenase very long chain; plus strand). Cytogenetic location: 17p13.1.
Variant type: single nucleotide variant.
Coding change: c.563G>A on transcript NM_000018.4 (MANE Select); coding-DNA position 563, G replaced by A.
Protein change: p.Gly188Asp; replaces glycine 188 with aspartic acid.
Molecular consequence: missense variant.
Genome position (GRCh38, 1-based): chr17:7,221,623, G>A. VCF-style: chr17-7221623-G-A. GRCh37 (hg19) VCF-style: chr17-7124942-G-A.
Other names: c.497G>A, p.Gly166Asp (NM_001033859.3); c.632G>A, p.Gly211Asp (NM_001270447.2); c.335G>A, p.Gly112Asp (NM_001270448.2); short protein forms G112D, G166D, G211D, G188D.
Identifiers: ClinVar variation 932792 (VCV000932792.2), dbSNP rs2071231444, ClinGen allele CA397723174.

ClinVar aggregate classification (germline): Uncertain significance (1 of 4 stars; one submission).

Conditions:
Very long chain acyl-CoA dehydrogenase deficiency (ACADVLD). Also called: Very Long-Chain Acyl-Coenzyme A Dehydrogenase Deficiency; VLCAD Deficiency. Identifiers: Orphanet 26793, MedGen C3887523, MONDO:0008723, OMIM 201475.

Submission:

Wong Mito Lab, Molecular and Human Genetics, Baylor College of Medicine
Classification: Uncertain significance for Very long chain acyl-CoA dehydrogenase deficiency. Last evaluated: 2019-11-01. Review status: criteria provided, single submitter. Criteria: ACMG Guidelines, 2015. Collection method: clinical testing. Allele origin: germline.
Comment: The NM_000018.3:c.563G>A (NP_000009.1:p.Gly188Asp) [GRCH38: NC_000017.11:g.7221623G>A] variant in ACADVL gene is interpretated to be Uncertain Significance based on ACMG guidelines (PMID: 25741868). This variant has been reported. This variant meets the following evidence codes reported in the ACMG guidelines: PP3